The following is an entry in ClinVar:

ClinVar aggregate classification (germline): Pathogenic (1 of 4 stars; one submission).

Conditions:
Polyglandular autoimmune syndrome, type 1 (APS1). Also called: Autoimmune polyendocrinopathy syndrome , type I, with or without reversible metaphyseal dysplasia; Autoimmune polyendocrine syndrome type 1; Whitaker syndrome; AUTOIMMUNE POLYENDOCRINE SYNDROME, TYPE I, WITH OR WITHOUT REVERSIBLE METAPHYSEAL DYSPLASIA; APS I; Autoimmune polyendocrinopathy syndrome, type I. Identifiers: Orphanet 3453, MedGen C0085859, MONDO:0009411, OMIM 240300.

Submission:

Labcorp Genetics (formerly Invitae), Labcorp
Classification: Pathogenic for Polyglandular autoimmune syndrome, type 1. Last evaluated: 2025-09-13. Review status: criteria provided, single submitter. Criteria: Invitae Variant Classification Sherloc (09022015). Collection method: clinical testing. Allele origin: germline.
Comment: This sequence change creates a premature translational stop signal (p.Ala202Serfs*15) in the AIRE gene. It is expected to result in an absent or disrupted protein product. Loss-of-function variants in AIRE are known to be pathogenic (PMID: 11524731, 26141571). This variant is not present in population databases (gnomAD no frequency). This variant has not been reported in the literature in individuals affected with AIRE-related conditions. ClinVar contains an entry for this variant (Variation ID: 1361985). Algorithms developed to predict the effect of sequence changes on RNA splicing suggest that this variant may disrupt the consensus splice site. For these reasons, this variant has been classified as Pathogenic.

Literature cited by the submitters: PubMed 11524731; PubMed 26141571.

NM_000383.4(AIRE):c.599dup (p.Ala202fs)

Gene: AIRE (autoimmune regulator; plus strand). Cytogenetic location: 21q22.3.
Variant type: Duplication.
Coding change: c.599dup on transcript NM_000383.4 (MANE Select); coding-DNA position 599, one base duplicated (C; older notation c.599dupC).
Protein change: p.Ala202fs; shifts the reading frame from alanine 202.
Molecular consequence: frameshift variant.
Genome position (GRCh38, 1-based): chr21:44,288,405, C duplicated; the last of 3 consecutive C bases (chr21:44,288,403-44,288,405); duplicating any one gives the same sequence. VCF-style (leftmost placement, unchanged base first): chr21-44288402-T-TC. GRCh37 (hg19) VCF-style: chr21-45708285-T-TC.
Other names: short protein forms A202fs.
Identifiers: ClinVar variation 1361985 (VCV001361985.7), dbSNP rs1213326298, ClinGen allele CA749677987.